The following is an entry in ClinVar:

NM_024675.4(PALB2):c.2739C>G (p.His913Gln)

Gene: PALB2 (partner and localizer of BRCA2; minus strand). Cytogenetic location: 16p12.2.
Variant type: single nucleotide variant.
Coding change: c.2739C>G on transcript NM_024675.4 (MANE Select); coding-DNA position 2739, C replaced by G.
Protein change: p.His913Gln; replaces histidine 913 with glutamine.
Molecular consequence: missense variant.
Genome position (GRCh38, 1-based): chr16:23,626,245, G>C on the plus strand (C>G on the coding strand, the complement: PALB2 is on the minus strand). VCF-style: chr16-23626245-G-C. GRCh37 (hg19) VCF-style: chr16-23637566-G-C.
Other names: short protein forms H913Q.
Identifiers: ClinVar variation 233664 (VCV000233664.6), dbSNP rs876660557, ClinGen allele CA10579953.

ClinVar aggregate classification (germline): Uncertain significance (1 of 4 stars; one submission).

Conditions:
Hereditary cancer-predisposing syndrome. Also called: Neoplastic Syndromes, Hereditary; Tumor predisposition; Hereditary Cancer Syndrome; Hereditary neoplastic syndrome. Identifiers: Orphanet 140162, MedGen C0027672, MeSH D009386, MONDO:0015356.

Submission:

Ambry Genetics
Classification: Uncertain significance for Hereditary cancer-predisposing syndrome. Last evaluated: 2025-06-28. Review status: criteria provided, single submitter. Criteria: Ambry Variant Classification Scheme 2023. Collection method: clinical testing. Allele origin: germline.
Comment: The p.H913Q variant (also known as c.2739C>G), located in coding exon 7 of the PALB2 gene, results from a C to G substitution at nucleotide position 2739. The histidine at codon 913 is replaced by glutamine, an amino acid with highly similar properties. This amino acid position is well conserved in available vertebrate species. In addition, this alteration is predicted to be tolerated by in silico analysis. Since supporting evidence is limited at this time, the clinical significance of this alteration remains unclear.